The following is an entry in ClinVar:

NM_001379500.1(COL18A1):c.1248+5G>A

Gene: COL18A1 (collagen type XVIII alpha 1 chain; plus strand). Cytogenetic location: 21q22.3.
Variant type: single nucleotide variant.
Coding change: c.1248+5G>A on transcript NM_001379500.1 (MANE Select); 5 bases into the intron after coding-DNA position 1248, G replaced by A.
Molecular consequence: intron variant.
Genome position (GRCh38, 1-based): chr21:45,478,358, G>A. VCF-style: chr21-45478358-G-A. GRCh37 (hg19) VCF-style: chr21-46898272-G-A.
Other names: c.2493+5G>A (NM_130444.3); c.1788+5G>A (NM_030582.4).
Identifiers: ClinVar variation 2008671 (VCV002008671.4), dbSNP rs199641561, ClinGen allele CA10066171.

ClinVar aggregate classification (germline): Uncertain significance (1 of 4 stars; one submission).

Allele frequency attached by ClinVar (database versions not stated): gnomAD exomes below 0.00001; ExAC 0.00001.
gnomAD v4.1: 7 of 1,614,190 alleles (0.00043%); highest among the groups gnomAD compares: South Asian, 0.0077%; no homozygotes.

Submission:

Labcorp Genetics (formerly Invitae), Labcorp
Classification: Uncertain significance. Last evaluated: 2025-02-24. Review status: criteria provided, single submitter. Criteria: Invitae Variant Classification Sherloc (09022015). Collection method: clinical testing. Allele origin: germline.
Comment: This sequence change falls in intron 9 of the COL18A1 gene. It does not directly change the encoded amino acid sequence of the COL18A1 protein. It affects a nucleotide within the consensus splice site. This variant is present in population databases (rs199641561, gnomAD 0.006%). This variant has not been reported in the literature in individuals affected with COL18A1-related conditions. ClinVar contains an entry for this variant (Variation ID: 2008671). Variants that disrupt the consensus splice site are a relatively common cause of aberrant splicing (PMID: 17576681, 9536098). Algorithms developed to predict the effect of sequence changes on RNA splicing suggest that this variant may disrupt the consensus splice site. In summary, the available evidence is currently insufficient to determine the role of this variant in disease. Therefore, it has been classified as a Variant of Uncertain Significance.

Literature cited by the submitters: PubMed 17576681; PubMed 9536098.